The following is an entry in ClinVar:

NM_004329.3(BMPR1A):c.229A>T (p.Ile77Leu)

Gene: BMPR1A (bone morphogenetic protein receptor type 1A; plus strand). Cytogenetic location: 10q23.2.
Variant type: single nucleotide variant.
Coding change: c.229A>T on transcript NM_004329.3 (MANE Select); coding-DNA position 229, A replaced by T.
Protein change: p.Ile77Leu; replaces isoleucine 77 with leucine.
Molecular consequence: missense variant. On other transcripts: non-coding transcript variant (3).
Genome position (GRCh38, 1-based): chr10:86,890,223, A>T. VCF-style: chr10-86890223-A-T. GRCh37 (hg19) VCF-style: chr10-88649980-A-T.
Other names: c.229A>T, p.Ile77Leu (NM_001406559.1, NM_001406560.1, NM_001406561.1 and 23 more transcripts); c.145A>T, p.Ile49Leu (NM_001406584.1, NM_001406585.1, NM_001406586.1 and 2 more transcripts); short protein forms I49L, I77L.
Identifiers: ClinVar variation 5032950 (VCV005032950.1).

ClinVar aggregate classification (germline): Uncertain significance (1 of 4 stars; one submission).

Conditions:
Hereditary cancer-predisposing syndrome. Also called: Neoplastic Syndromes, Hereditary; Tumor predisposition; Hereditary neoplastic syndrome; Hereditary Cancer Syndrome. Identifiers: Orphanet 140162, MedGen C0027672, MeSH D009386, MONDO:0015356.

Submission:

Ambry Genetics
Classification: Uncertain significance for Hereditary cancer-predisposing syndrome. Last evaluated: 2026-07-02. Review status: criteria provided, single submitter. Criteria: Ambry Variant Classification Scheme 2023. Collection method: clinical testing. Allele origin: germline.
Comment: The p.I77L variant (also known as c.229A>T), located in coding exon 2 of the BMPR1A gene, results from an A to T substitution at nucleotide position 229. The isoleucine at codon 77 is replaced by leucine, an amino acid with highly similar properties. This amino acid position is conserved. In addition, the in silico prediction for this alteration is inconclusive. Based on the available evidence, the clinical significance of this variant remains unclear.